The following is an entry in ClinVar:

NM_000368.5(TSC1):c.343del (p.Ser115fs)

Gene: TSC1 (TSC complex subunit 1; minus strand). Cytogenetic location: 9q34.13.
Variant type: Deletion.
Coding change: c.343del on transcript NM_000368.5 (MANE Select); coding-DNA position 343, one base deleted (T; older notation c.343delT).
Protein change: p.Ser115fs; shifts the reading frame from serine 115.
Molecular consequence: frameshift variant. On other transcripts: 5 prime UTR variant (1), intron variant (1).
Genome position (GRCh38, 1-based): chr9:132,925,607, A deleted on the plus strand (T on the coding strand, the reverse complement: TSC1 is on the minus strand); the first of 2 consecutive A bases (chr9:132,925,607-132,925,608); deleting either gives the same sequence. VCF-style (leftmost placement, unchanged base first): chr9-132925606-GA-G. GRCh37 (hg19) VCF-style: chr9-135800993-GA-G.
Other names: c.343del, p.Ser115fs (NM_001162426.2); c.-21del (NM_001362177.2); c.210+1594del (NM_001162427.2); short protein forms S115fs.
Identifiers: ClinVar variation 1070472 (VCV001070472.7), dbSNP rs2132230601, ClinGen allele CA2499219741.

ClinVar aggregate classification (germline): Pathogenic (1 of 4 stars; one submission).

Conditions:
Tuberous sclerosis 1 (TSC1). Identifiers: Orphanet 805, MedGen C1854465, MONDO:0008612, OMIM 191100.

Submission:

Labcorp Genetics (formerly Invitae), Labcorp
Classification: Pathogenic for Tuberous sclerosis 1. Last evaluated: 2024-05-23. Review status: criteria provided, single submitter. Criteria: Invitae Variant Classification Sherloc (09022015). Collection method: clinical testing. Allele origin: germline.
Comment: This sequence change creates a premature translational stop signal (p.Ser115Leufs*3) in the TSC1 gene. It is expected to result in an absent or disrupted protein product. Loss-of-function variants in TSC1 are known to be pathogenic (PMID: 10227394, 17304050). This variant is not present in population databases (gnomAD no frequency). This variant has not been reported in the literature in individuals affected with TSC1-related conditions. ClinVar contains an entry for this variant (Variation ID: 1070472). Algorithms developed to predict the effect of sequence changes on RNA splicing suggest that this variant may disrupt the consensus splice site. For these reasons, this variant has been classified as Pathogenic.

Literature cited by the submitters: PubMed 10227394; PubMed 17304050.